The following is an entry in ClinVar:

NM_012062.5(DNM1L):c.250+2T>G

Gene: DNM1L (dynamin 1L; plus strand). Cytogenetic location: 12p11.21.
Variant type: single nucleotide variant.
Coding change: c.250+2T>G on transcript NM_012062.5 (MANE Select); the canonical splice donor site of the intron after coding-DNA position 250, T replaced by G.
Molecular consequence: splice donor variant.
Genome position (GRCh38, 1-based): chr12:32,701,564, T>G. VCF-style: chr12-32701564-T-G. GRCh37 (hg19) VCF-style: chr12-32854498-T-G.
Other names: c.250+2T>G (NM_001278464.2, NM_001278465.2, NM_001330380.2 and 3 more transcripts); c.45+2T>G (NM_001278466.2).
Identifiers: ClinVar variation 3037094 (VCV003037094.3), dbSNP rs2540981047, ClinGen allele CA384363981.
Genomic context (GRCh38, chr12:32,701,564, plus strand): 5'-TCTGCAACTGGTCCATGTTTCACAAGAAGATAAACGGAAAACAACAGGAGAAGAAAATGG[T>G]AAATTTCAGATTTGAGATAATTATTTTACAGCTCTTCATTTTTGATCTATTCTTAAAAAG-3'

ClinVar aggregate classification (germline): Uncertain significance (1 of 4 stars; one submission).

Conditions:
DNM1L-related disorder. Also called: DNM1L-related condition.

Submission:

PreventionGenetics, part of Exact Sciences
Classification: Uncertain significance for DNM1L-related condition. Last evaluated: 2026-05-20. Review status: criteria provided, single submitter. Criteria: ACMG Guidelines, 2015. Collection method: clinical testing. Allele origin: germline.
Comment: The DNM1L c.250+2T>G variant is predicted to disrupt the GT donor site and interfere with normal splicing. To our knowledge, this variant has not been reported in the literature or in a large population database, indicating this variant is rare. At this time a loss-of-function is not a well-established mechanism of DNM1L-related disease. At this time, the clinical significance of this variant is uncertain due to the absence of conclusive functional and genetic evidence.